The following is an entry in ClinVar:

ClinVar aggregate classification (germline): Uncertain significance (1 of 4 stars; one submission).

Conditions:
Neuropathy, hereditary sensory and autonomic, type 2A (HSAN2A). Also called: ACROOSTEOLYSIS, GIACCAI TYPE; ACROOSTEOLYSIS, NEUROGENIC; WNK1-Related HSAN2 (HSAN2A); NEUROPATHY, HEREDITARY SENSORY RADICULAR, AUTOSOMAL RECESSIVE; MORVAN DISEASE; NEUROPATHY, CONGENITAL SENSORY. Identifiers: Orphanet 970, MedGen C2752089, MONDO:0024309, OMIM 201300.
Generalized epilepsy with febrile seizures plus, type 7 (GEFSP7). Also called: GEFS+, TYPE 7. Identifiers: Orphanet 36387, MedGen C2751778, MONDO:0013470, OMIM 613863.

Submission:

Labcorp Genetics (formerly Invitae), Labcorp
Classification: Uncertain significance for Neuropathy, hereditary sensory and autonomic, type 2A; Generalized epilepsy with febrile seizures plus, type 7. Last evaluated: 2025-07-18. Review status: criteria provided, single submitter. Criteria: Invitae Variant Classification Sherloc (09022015). Collection method: clinical testing. Allele origin: germline.
Comment: This sequence change replaces alanine, which is neutral and non-polar, with glutamic acid, which is acidic and polar, at codon 411 of the SCN9A protein (p.Ala411Glu). This variant is not present in population databases (gnomAD no frequency). This variant has not been reported in the literature in individuals affected with SCN9A-related conditions. Invitae Evidence Modeling of protein sequence and biophysical properties (such as structural, functional, and spatial information, amino acid conservation, physicochemical variation, residue mobility, and thermodynamic stability) has been performed for this missense variant. However, the output from this modeling did not meet the statistical confidence thresholds required to predict the impact of this variant on SCN9A protein function. In summary, the available evidence is currently insufficient to determine the role of this variant in disease. Therefore, it has been classified as a Variant of Uncertain Significance.

NM_001365536.1(SCN9A):c.1232C>A (p.Ala411Glu)

Genes: SCN1A-AS1 (SCN1A and SCN9A antisense RNA 1; plus strand), SCN9A (sodium voltage-gated channel alpha subunit 9; minus strand). Cytogenetic location: 2q24.3.
Variant type: single nucleotide variant.
Coding change: c.1232C>A on transcript NM_001365536.1 (MANE Select); coding-DNA position 1232, C replaced by A.
Protein change: p.Ala411Glu; replaces alanine 411 with glutamic acid.
Molecular consequence: missense variant.
Genome position (GRCh38, 1-based): chr2:166,288,519, G>T on the plus strand (C>A on the coding strand, the complement: SCN9A is on the minus strand). VCF-style: chr2-166288519-G-T. GRCh37 (hg19) VCF-style: chr2-167145029-G-T.
Other names: c.1232C>A, p.Ala411Glu (NM_002977.4); short protein forms A411E.
Identifiers: ClinVar variation 4783439 (VCV004783439.1).